The following is an entry in ClinVar:

NM_001244710.2(GFPT1):c.1384G>T (p.Val462Leu)

Gene: GFPT1 (glutamine--fructose-6-phosphate transaminase 1; minus strand). Cytogenetic location: 2p13.3.
Variant type: single nucleotide variant.
Coding change: c.1384G>T on transcript NM_001244710.2 (MANE Select); coding-DNA position 1384, G replaced by T.
Protein change: p.Val462Leu; replaces valine 462 with leucine.
Molecular consequence: missense variant.
Genome position (GRCh38, 1-based): chr2:69,337,996, C>A on the plus strand (G>T on the coding strand, the complement: GFPT1 is on the minus strand). VCF-style: chr2-69337996-C-A. GRCh37 (hg19) VCF-style: chr2-69565128-C-A.
Other names: p.Val462Leu; c.1330G>T, p.Val444Leu (NM_002056.4); short protein forms V444L, V462L.
Identifiers: ClinVar variation 2682737 (VCV002682737.4), dbSNP rs2466046634, ClinGen allele CA347124265.

ClinVar aggregate classification (germline): Uncertain significance. Review status: criteria provided, multiple submitters, no conflicts (2 of 4 stars). 2 submissions from 2 submitters: Uncertain significance (2). Last evaluated 2023-10-06.

Conditions:
Congenital myasthenic syndrome 12 (CMS12). Also called: MYASTHENIC SYNDROME, CONGENITAL, WITH TUBULAR AGGREGATES 1; Myasthenia, congenital, 12, with tubular aggregates. Identifiers: Orphanet 353327, Orphanet 590, MedGen C3552335, MONDO:0012518, OMIM 610542.

Submissions (2):

Labcorp Genetics (formerly Invitae), Labcorp
Classification: Uncertain significance for Congenital myasthenic syndrome 12. Last evaluated: 2023-10-06. Review status: criteria provided, single submitter. Criteria: Invitae Variant Classification Sherloc (09022015). Collection method: clinical testing. Allele origin: germline.
Comment: This sequence change replaces valine, which is neutral and non-polar, with leucine, which is neutral and non-polar, at codon 462 of the GFPT1 protein (p.Val462Leu). This variant is not present in population databases (gnomAD no frequency). This variant has not been reported in the literature in individuals affected with GFPT1-related conditions. Advanced modeling of protein sequence and biophysical properties (such as structural, functional, and spatial information, amino acid conservation, physicochemical variation, residue mobility, and thermodynamic stability) performed at Invitae indicates that this missense variant is not expected to disrupt GFPT1 protein function. In summary, the available evidence is currently insufficient to determine the role of this variant in disease. Therefore, it has been classified as a Variant of Uncertain Significance.

Mayo Clinic Laboratories, Mayo Clinic
Classification: Uncertain significance. Last evaluated: 2023-05-12. Review status: criteria provided, single submitter. Criteria: ACMG Guidelines, 2015. Collection method: clinical testing. Allele origin: germline. Observed: 1 variant allele.
Comment: BP4, PM2